The following continues an entry in ClinVar:

NM_002485.5(NBN):c.657_661del (p.Lys219fs)

Gene: NBN. ClinVar aggregate classification (germline): Pathogenic. Pathogenic (41).

Submissions 22 to 39 of 53:

GeneDx
Classification: Pathogenic. Last evaluated: 2021-11-11. Review status: criteria provided, single submitter. Criteria: GeneDx Variant Classification Process June 2021. Collection method: clinical testing. Allele origin: germline. Affected: yes.
Comment: Frameshift variant predicted to result in protein truncation or nonsense mediated decay in a gene for which loss-of-function is a known mechanism of disease; Case control studies suggest this variant is associated with prostate cancer; earlier studies also describe associated risk for breast cancer and lymphoma, though additional studies have not been supportive (Zhang 2012, Cybulski 2013, Gao 2013, Rogoa-Janiszewska 2020, Wokoorczyk 2020, Hu 2021); Also known as 657del5; This variant is associated with the following publications: (PMID: 9590180, 19908051, 23317186, 32255556, 18073374, 24619942, 26929905, 28649662, 29785153, 30426508, 30322717, 30612635, 22131123, 22293976, 25485873, 23765759, 16770759, 23149842, 22941933, 19635536, 14973119, 19452044, 16033915, 27150568, 27038244, 19393249, 27276934, 26083025, 26822949, 25980754, 27616075, 28008555, 26681312, 28374160, 28873162, 28376765, 25186627, 15185344, 11093281, 18606567, 11279524, 16544999, 11953735, 18940477, 12833396, 12505263, 12123493, 10852373, 10398434, 9620777, 29368341, 29915322, 29555771, 29753700, 28152038, 26265251, 31173646, 30590007, 31187634, 31159747, 29419426, 31980526, 33178177, 31589614, 32338768, 33488600, 32441320, 32843899, 24113799, 33077847, 32427313)

Genome-Nilou Lab
Classification: Pathogenic for Microcephaly, normal intelligence and immunodeficiency. Last evaluated: 2021-11-07. Review status: criteria provided, single submitter. Criteria: ACMG Guidelines, 2015. Collection method: clinical testing. Allele origin: germline. Affected: no.

Institute for Clinical Genetics, University Hospital TU Dresden, University Hospital TU Dresden
Classification: Pathogenic. Last evaluated: 2021-11-03. Review status: criteria provided, single submitter. Criteria: ACMG Guidelines, 2015. Collection method: clinical testing. Allele origin: germline.

Sema4
Classification: Pathogenic for Hereditary cancer-predisposing syndrome. Last evaluated: 2021-05-28. Review status: criteria provided, single submitter. Criteria: Sema4 Curation Guidelines. Collection method: curation. Allele origin: germline.
Comment: The NBN c.657_661del (p.Lys219Asnfs*16, also known as 657del5) variant has been associated with increased risk for NBN-related cancers. This variant has been observed in multiple ethnic backgrounds with highest frequencies in individuals of European non-Finnish ancestry (0.040%, the Genome Aggregation Database (gnomAD); PMID:32461654). This variant is also present in the ClinVar database (ID: 6940). Additionally, in the bi-allelic state, this variant is the most common variant associated with autosomal recessive Nijmegen Breakage Syndrome (NBS) (PMID:22373003). A meta-analysis has reported an increased risk of developing cancer in the Caucasian population (OR=2.79 [95% CI 2.17-3.68] PMID:24113799). The stratified analysis from this same study reported significant odds ratios in carriers of the variant for multiple cancers, particularly breast cancer (OR = 2.51 [95% CI=1.68-3.73]), prostate cancer (OR = 5.87 [95% CI=2.51-13.75]), and lymphoma (OR = 2.93 [95% CI=1.62-5.29]). Additionally, a case control study has reported an association between this variant and pancreatic ductal adenocarcinoma in Czechs of Slavic descent (OR = 9.7 [95% CI= 1.9-50.2] PMID:27150568). This variant is predicted to cause a frameshift at amino acid 219 that results in premature termination 16 amino acids downstream which is a candidate for nonsense-mediated decay (NMD) leading to absent protein (loss of function). However, it has been shown that the mRNA escapes NMD via reinitiating translation and results in an N-terminally truncated NBN protein that leads to a partially functional protein (PMID: 11279524). Additional in vitro functional studies support an impact on protein function (PMID:22131123) and loss of function of the NBN gene is an established disease mechanism in autosomal recessive NBS. In summary, this variant is not expected to cause highly penetrant Mendelian disease in the heterozygous form but is an established risk allele and is classified as pathogenic with low penetrance for the development of breast, prostate, and lymphoid cancers.

GeneKor MSA
Classification: Pathogenic for Hereditary cancer-predisposing syndrome. Last evaluated: 2021-01-09. Review status: criteria provided, single submitter. Criteria: ACMG Guidelines, 2015. Collection method: clinical testing. Allele origin: germline. Affected: yes.
Comment: This is a deletion of five base pairs from exon 6 of the NBN mRNA (c.657_661delACAAA), which results in frameshift after codon 219 and creation of a novel stop codon 16 amino acid residues later and would generally be expected to result in an absent or disrupted protein product.This is the most common variant reported in individuals affected with Nijmegen breakage syndrome (NBS), and is considered to be a founder mutation in the Slavic population (PMID: 9590180). It is also known as 657del5 in the literature. Heterozygous carriers may have increased risk for several types of cancers including breast, lymphoma, melanoma, medulloblastoma, prostate and others (PMID: 15185344, 14973119, 18606567, 19908051, 24113799). Experimental studies propose that this deletion encodes a partially functional protein that diminishes the severity of the NBS phenotype (PMID: 11279524). The mutation database Clinvar contains entries for this variant (Variation ID:6940).

Department of Pediatrics, Memorial Sloan Kettering Cancer Center
Classification: Pathogenic for Microcephaly, normal intelligence and immunodeficiency. Last evaluated: 2020-12-15. Review status: criteria provided, single submitter. Criteria: ACMG Guidelines, 2015. Collection method: research. Allele origin: germline. Affected: no.

Department of Molecular Diagnostics, Institute of Oncology Ljubljana
Classification: Pathogenic for Breast-ovarian cancer, familial, susceptibility to, 1. Last evaluated: 2020-04-02. Review status: criteria provided, single submitter. Criteria: ACMG Guidelines, 2015. Collection method: clinical testing. Allele origin: germline. Affected: yes.

Revvity Omics, Revvity
Classification: Pathogenic. Last evaluated: 2019-06-18. Review status: criteria provided, single submitter. Criteria: ACMG Guidelines, 2015. Collection method: clinical testing. Allele origin: germline.

Laboratory for Molecular Medicine, Mass General Brigham Personalized Medicine
Classification: Pathogenic for Microcephaly, normal intelligence and immunodeficiency. Last evaluated: 2019-05-08. Review status: criteria provided, single submitter. Criteria: LMM Criteria. Collection method: clinical testing. Allele origin: germline. Inheritance: Autosomal recessive inheritance. Observed: 1 variant allele.
Comment: The p.Lys219AsnfsX16 variant in NBN is the most common NBN variant associated with autosomal recessive Nijmegen Breakage Syndrome (NBS) and has been reported as a founder variant in Slavic populations (Varon 1998). Additionally, in the heterozygous state, this variant has been found to increase risk to certain NBS-related cancers (Gao 2013, Zhang 2012). It has also been identified in 52/128774 European chromosomes by gnomAD. However, this frequency is low enough to be consistent with a recessive carrier frequency. This variant has also been reported in ClinVar (Variation ID: 6940). This variant is predicted to cause a frameshift, which alters the proteinâ€™s amino acid sequence beginning at position 219 and leads to a premature termination codon 16 amino acids downstream. This alteration is then predicted to lead to a truncated or absent protein. Loss of function of the NBN gene is an established disease mechanism in autosomal recessive NBS. In vitro functional studies support an impact on protein function and show that this variant leads to the production of an abnormal protein product (Maser 2001, Dzikiewicz-Krawczyk 2012). In summary, this variant meets criteria to be classified as pathogenic for autosomal recessive NBS. ACMG/AMP criteria applied: PVS1, PM3_VeryStrong, PS3_Supporting.

Knight Diagnostic Laboratories, Oregon Health and Sciences University
Classification: Pathogenic for Hereditary cancer-predisposing syndrome. Last evaluated: 2019-05-06. Review status: criteria provided, single submitter. Criteria: ACMG Guidelines, 2015. Collection method: clinical testing. Allele origin: germline. Observed: 2 variant alleles.

Centre for Mendelian Genomics, University Medical Centre Ljubljana
Classification: Pathogenic for Microcephaly, normal intelligence and immunodeficiency. Last evaluated: 2018-10-12. Review status: criteria provided, single submitter. Criteria: ACMG Guidelines, 2015. Collection method: clinical testing. Allele origin: unknown. Affected: yes.
Comment: This variant was classified as: Pathogenic. The following ACMG criteria were applied in classifying this variant: PVS1,PS1,PM2.

Mendelics
Classification: Pathogenic for Microcephaly, normal intelligence and immunodeficiency. Last evaluated: 2018-07-02. Review status: criteria provided, single submitter. Criteria: Mendelics Assertion Criteria 2017. Collection method: clinical testing. Allele origin: unknown.

Women's Health and Genetics/Laboratory Corporation of America, LabCorp
Classification: Pathogenic for Microcephaly, normal intelligence and immunodeficiency. Last evaluated: 2015-11-25. Review status: criteria provided, single submitter. Criteria: LabCorp Variant Classification Summary - May 2015. Collection method: clinical testing. Allele origin: germline.

University of Washington Department of Laboratory Medicine, University of Washington
Classification: Pathogenic for Hereditary cancer-predisposing syndrome. Last evaluated: 2015-11-20. Review status: criteria provided, single submitter. Criteria: Shirts et al. (Genet Med 2016). Collection method: clinical testing. Allele origin: germline. Affected: yes. Observed: 2 variant alleles.

Miami Human Genetics, University Of Miami Miller School Of Medicine
Classification: Pathogenic for Microcephaly, normal intelligence and immunodeficiency. Last evaluated: 2015-11-16. Review status: criteria provided, single submitter. Criteria: ACMG Guidelines, 2015. Collection method: research. Allele origin: germline. Inheritance: Autosomal recessive inheritance. Affected: yes. Study: Miami Human Genetics.

Centre for Mendelian Genomics, University Medical Centre Ljubljana
Classification: Pathogenic for Lissencephaly; Microcephaly. Last evaluated: 2015-10-06. Review status: criteria provided, single submitter. Criteria: ACMG Guidelines, 2015. Collection method: clinical testing. Allele origin: unknown. Affected: yes.

Genetic Services Laboratory, University of Chicago
Classification: Pathogenic for Nijmegen breakage syndrome. Last evaluated: 2015-03-04. Review status: criteria provided, single submitter. Criteria: ACMG Guidelines, 2015. Collection method: clinical testing. Allele origin: germline. Affected: yes.

Baylor Genetics
Classification: Pathogenic for Microcephaly, normal intelligence and immunodeficiency. Review status: criteria provided, single submitter. Criteria: ACMG Guidelines, 2015. Collection method: clinical testing. Allele origin: germline.